The following is an entry in ClinVar:

NM_001098.3(ACO2):c.740T>C (p.Val247Ala)

Gene: ACO2 (aconitase 2; plus strand). Cytogenetic location: 22q13.2.
Variant type: single nucleotide variant.
Coding change: c.740T>C on transcript NM_001098.3 (MANE Select); coding-DNA position 740, T replaced by C.
Protein change: p.Val247Ala; replaces valine 247 with alanine.
Molecular consequence: missense variant.
Genome position (GRCh38, 1-based): chr22:41,515,822, T>C. VCF-style: chr22-41515822-T-C. GRCh37 (hg19) VCF-style: chr22-41911826-T-C.
Other names: short protein forms V247A.
Identifiers: ClinVar variation 1920877 (VCV001920877.7), dbSNP rs750687436, ClinGen allele CA324046.

ClinVar aggregate classification (germline): Uncertain significance. Review status: criteria provided, multiple submitters, no conflicts (2 of 4 stars). 3 submissions from 3 submitters: Uncertain significance (3). Last evaluated 2026-01-19.

Conditions:
Retinal dystrophy. Also called: Inherited retinal dystrophy. Identifiers: Orphanet 71862, MedGen C0854723, MeSH D058499, MONDO:0019118, HP:0000556.

Allele frequency attached by ClinVar (database versions not stated): ExAC 0.00001; gnomAD exomes 0.00001.
gnomAD v4.1: 6 of 1,614,150 alleles (0.00037%); highest among the groups gnomAD compares: Non-Finnish European, 0.00042%; no homozygotes.

Submissions (3):

Labcorp Genetics (formerly Invitae), Labcorp
Classification: Uncertain significance. Last evaluated: 2026-01-19. Review status: criteria provided, single submitter. Criteria: Invitae Variant Classification Sherloc (09022015). Collection method: clinical testing. Allele origin: germline.
Comment: This sequence change replaces valine, which is neutral and non-polar, with alanine, which is neutral and non-polar, at codon 247 of the ACO2 protein (p.Val247Ala). This variant is present in population databases (rs750687436, gnomAD 0.0009%). This missense change has been observed in individual(s) with optic atrophy (PMID: 34056600). ClinVar contains an entry for this variant (Variation ID: 1920877). Invitae Evidence Modeling of protein sequence and biophysical properties (such as structural, functional, and spatial information, amino acid conservation, physicochemical variation, residue mobility, and thermodynamic stability) indicates that this missense variant is expected to disrupt ACO2 protein function with a positive predictive value of 80%. In summary, the available evidence is currently insufficient to determine the role of this variant in disease. Therefore, it has been classified as a Variant of Uncertain Significance.

Blueprint Genetics
Classification: Uncertain significance. Last evaluated: 2024-09-16. Review status: criteria provided, single submitter. Criteria: ACMG Guidelines, 2015. Collection method: clinical testing. Allele origin: germline.

Institute of Human Genetics, Univ. Regensburg, Univ. Regensburg
Classification: Uncertain significance for Retinal dystrophy. Last evaluated: 2022-01-01. Review status: criteria provided, single submitter. Criteria: ACMG Guidelines, 2015. Collection method: clinical testing. Allele origin: germline. Affected: yes.

Literature cited by the submitters: PubMed 34056600 (cited by Labcorp Genetics (formerly Invitae), Labcorp and Institute of Human Genetics, Univ. Regensburg, Univ. Regensburg).